The following is an entry in ClinVar:

ClinVar aggregate classification (germline): Uncertain significance (1 of 4 stars; one submission).

Submission:

Ambry Genetics
Classification: Uncertain significance. Last evaluated: 2025-08-08. Review status: criteria provided, single submitter. Criteria: Ambry Variant Classification Scheme 2023. Collection method: clinical testing. Allele origin: germline.
Comment: The p.P1381A variant (also known as c.4141C>G), located in coding exon 19 of the WNK2 gene, results from a C to G substitution at nucleotide position 4141. The proline at codon 1381 is replaced by alanine, an amino acid with highly similar properties. This amino acid position is conserved. In addition, this alteration is predicted to be tolerated by in silico analysis. Based on the available evidence, the clinical significance of this variant remains unclear.

NM_006648.4(WNK2):c.4141C>G (p.Pro1381Ala)

Gene: WNK2 (WNK lysine deficient protein kinase 2; plus strand). Cytogenetic location: 9q22.31.
Variant type: single nucleotide variant.
Coding change: c.4141C>G on transcript NM_006648.4 (MANE Select); coding-DNA position 4141, C replaced by G.
Protein change: p.Pro1381Ala; replaces proline 1381 with alanine.
Molecular consequence: missense variant.
Genome position (GRCh38, 1-based): chr9:93,288,895, C>G. VCF-style: chr9-93288895-C-G. GRCh37 (hg19) VCF-style: chr9-96051177-C-G.
Other names: c.4252C>G, p.Pro1418Ala (NM_001282394.3); short protein forms P1381A, P1418A.
Identifiers: ClinVar variation 4201724 (VCV004201724.1).